The following is an entry in ClinVar:

NM_001080.3(ALDH5A1):c.760T>C (p.Tyr254His)

Gene: ALDH5A1 (aldehyde dehydrogenase 5 family member A1; plus strand). Cytogenetic location: 6p22.3.
Variant type: single nucleotide variant.
Coding change: c.760T>C on transcript NM_001080.3 (MANE Select); coding-DNA position 760, T replaced by C.
Protein change: p.Tyr254His; replaces tyrosine 254 with histidine.
Molecular consequence: missense variant. On other transcripts: intron variant (1).
Genome position (GRCh38, 1-based): chr6:24,515,200, T>C. VCF-style: chr6-24515200-T-C. GRCh37 (hg19) VCF-style: chr6-24515428-T-C.
Other names: c.799T>C, p.Tyr267His (NM_170740.1); c.727-5201T>C (NM_001368954.1); short protein forms Y254H, Y267H.
Identifiers: ClinVar variation 1395775 (VCV001395775.6), dbSNP rs2127385849, ClinGen allele CA362971595.

ClinVar aggregate classification (germline): Uncertain significance (1 of 4 stars; one submission).

Conditions:
Succinate-semialdehyde dehydrogenase deficiency (SSADHD). Also called: Succinic Semialdehyde Dehydrogenase Deficiency; SSADH DEFICIENCY; 4-HYDROXYBUTYRIC ACIDURIA; GABA METABOLIC DEFECT. Identifiers: Orphanet 22, MedGen C0268631, MONDO:0010083, OMIM 271980.

Submission:

Labcorp Genetics (formerly Invitae), Labcorp
Classification: Uncertain significance for Succinate-semialdehyde dehydrogenase deficiency. Last evaluated: 2021-11-30. Review status: criteria provided, single submitter. Criteria: Invitae Variant Classification Sherloc (09022015). Collection method: clinical testing. Allele origin: germline.
Comment: This variant is not present in population databases (gnomAD no frequency). In summary, the available evidence is currently insufficient to determine the role of this variant in disease. Therefore, it has been classified as a Variant of Uncertain Significance. Advanced modeling of protein sequence and biophysical properties (such as structural, functional, and spatial information, amino acid conservation, physicochemical variation, residue mobility, and thermodynamic stability) performed at Invitae indicates that this missense variant is expected to disrupt ALDH5A1 protein function. This variant has not been reported in the literature in individuals affected with ALDH5A1-related conditions. This sequence change replaces tyrosine, which is neutral and polar, with histidine, which is basic and polar, at codon 254 of the ALDH5A1 protein (p.Tyr254His).